The following is an entry in ClinVar:

NM_004036.5(ADCY3):c.3034_3042dup (p.Ala1014_Asp1015insHisLeuAla)

Genes: ADCY3 (adenylate cyclase 3; minus strand), CENPO (centromere protein O; plus strand). Cytogenetic location: 2p23.3.
Variant type: Duplication.
Coding change: c.3034_3042dup on transcript NM_004036.5 (MANE Select); coding-DNA positions 3034 to 3042, 9 bases duplicated (CACCTGGCT; older notation c.3034_3042dupCACCTGGCT).
Protein change: p.Ala1014_Asp1015insHisLeuAla.
Molecular consequence: inframe insertion. On other transcripts: 3 prime UTR variant (3), non-coding transcript variant (3).
Genome position (GRCh38, 1-based): chr2:24,821,602-24,821,610, AGCCAGGTG duplicated on the plus strand (CACCTGGCT on the coding strand, the reverse complement: ADCY3 is on the minus strand). VCF-style (leftmost placement, unchanged base first): chr2-24821601-C-CAGCCAGGTG. GRCh37 (hg19) VCF-style: chr2-25044470-C-CAGCCAGGTG.
Other names: c.3037_3045dup, p.Ala1015_Asp1016insHisLeuAla (NM_001320613.2); c.3100_3108dup, p.Ala1036_Asp1037insHisLeuAla (NM_001377128.1); c.2896_2904dup, p.Ala968_Asp969insHisLeuAla (NM_001377129.1); c.2482_2490dup, p.Ala830_Asp831insHisLeuAla (NM_001377130.1); c.2311_2319dup, p.Ala773_Asp774insHisLeuAla (NM_001377131.1); c.3034_3042dup, p.Ala1014_Asp1015insHisLeuAla (NM_001377132.1); c.*2284_*2292dup (NM_001199803.3, NM_001322101.2, NM_024322.4).
Identifiers: ClinVar variation 4998469 (VCV004998469.1).

ClinVar aggregate classification (germline): Uncertain significance (1 of 4 stars; one submission).

Conditions:
ADCY3-related disorder. Also called: ADCY3-related condition.

Submission:

PreventionGenetics, part of Exact Sciences
Classification: Uncertain significance for ADCY3-related condition. Last evaluated: 2025-01-03. Review status: criteria provided, single submitter. Criteria: ACMG Guidelines, 2015. Collection method: clinical testing. Allele origin: germline.
Comment: The ADCY3 c.3037_3045dup9 variant is predicted to result in an in-frame duplication (p.His1013_Ala1015dup). To our knowledge, this variant has not been reported in the literature or in a large population database (gnomAD), indicating this variant is rare. At this time, the clinical significance of this variant is uncertain due to the absence of conclusive functional and genetic evidence.